The following is an entry in ClinVar:

ClinVar aggregate classification (germline): Likely benign (1 of 4 stars; one submission).

Submission:

CeGaT Center for Human Genetics Tuebingen
Classification: Likely benign. Last evaluated: 2025-09-01. Review status: criteria provided, single submitter. Criteria: CeGaT Center For Human Genetics Tuebingen Variant Classification Criteria Version 2. Collection method: clinical testing. Allele origin: germline. Affected: yes. Observed: 1 variant allele.
Comment: PDZD2: PM2:Supporting, BP4, BP7

NM_178140.4(PDZD2):c.4446C>G (p.Ser1482=)

Gene: PDZD2 (PDZ domain containing 2; plus strand). Cytogenetic location: 5p13.3.
Variant type: single nucleotide variant.
Coding change: c.4446C>G on transcript NM_178140.4 (MANE Select); coding-DNA position 4446, C replaced by G.
Protein change: p.Ser1482=; no amino-acid change (serine 1482 retained).
Molecular consequence: synonymous variant.
Genome position (GRCh38, 1-based): chr5:32,087,894, C>G. VCF-style: chr5-32087894-C-G. GRCh37 (hg19) VCF-style: chr5-32088000-C-G.
Identifiers: ClinVar variation 4281003 (VCV004281003.7).